The following is an entry in ClinVar:

ClinVar aggregate classification (germline): Benign (0 of 4 stars; one submission).

Conditions:
BIRC6-related disorder. Also called: BIRC6-related condition.

Allele frequency attached by ClinVar (database versions not stated): gnomAD exomes 0.00615; ExAC 0.01292; 1000 Genomes Project 0.03235; 1000 Genomes Project 30x 0.03264; gnomAD 0.03270; ESP Exome Variant Server 0.03352; TOPMed 0.03804.
gnomAD v4.1: 14,315 of 1,597,176 alleles (0.9%); highest among the groups gnomAD compares: African/African-American, 10%; 433 homozygotes.

Submission:

PreventionGenetics, part of Exact Sciences
Classification: Benign for BIRC6-related condition. Last evaluated: 2019-07-29. Review status: no assertion criteria provided. Collection method: clinical testing. Allele origin: germline.
Comment: This variant is classified as benign based on ACMG/AMP sequence variant interpretation guidelines (Richards et al. 2015 PMID: 25741868, with internal and published modifications).

NM_016252.4(BIRC6):c.7697-3T>C

Gene: BIRC6 (baculoviral IAP repeat containing 6; plus strand). Cytogenetic location: 2p22.3.
Variant type: single nucleotide variant.
Coding change: c.7697-3T>C on transcript NM_016252.4 (MANE Select); 3 bases into the intron before coding-DNA position 7697, T replaced by C.
Molecular consequence: intron variant.
Genome position (GRCh38, 1-based): chr2:32,485,640, T>C. VCF-style: chr2-32485640-T-C. GRCh37 (hg19) VCF-style: chr2-32710707-T-C.
Other names: c.7694-3T>C (NM_001378125.1).
Identifiers: ClinVar variation 3041204 (VCV003041204.2), dbSNP rs77296550, ClinGen allele CA1604167.
Genomic context (GRCh38, chr2:32,485,640, plus strand): 5'-TAGGAGGTAGGACATGAGTAATAATTGTCAATGTTTTCTTTTTCTTTCAATTGCTTTTTG[T>C]AGCCCTGGATGCTCGCCTAGAAGTTGGACTTGAACAGCAAGCAGAACTGATGTTGAAAAT-3'